The following is an entry in ClinVar:

ClinVar aggregate classification (germline): Uncertain significance (1 of 4 stars; one submission).

Conditions:
Familial thoracic aortic aneurysm and aortic dissection (TAAD). Also called: Thoracic aortic aneurysms and dissections. Identifiers: Orphanet 91387, MedGen C4707243, MONDO:0019625.

Submission:

Ambry Genetics
Classification: Uncertain significance for Familial thoracic aortic aneurysm and aortic dissection. Last evaluated: 2017-03-07. Review status: criteria provided, single submitter. Criteria: Ambry Variant Classification Scheme 2023. Collection method: clinical testing. Allele origin: germline.
Comment: The p.V770I variant (also known as c.2308G>A), located in coding exon 19 of the FBN1 gene, results from a G to A substitution at nucleotide position 2308. The valine at codon 770 is replaced by isoleucine, an amino acid with highly similar properties, and is located in the cbEGF-like #08 domain. This amino acid position is not well conserved in available vertebrate species. In addition, this alteration is predicted to be tolerated by in silico analysis. Since supporting evidence is limited at this time, the clinical significance of this alteration remains unclear.

NM_000138.5(FBN1):c.2308G>A (p.Val770Ile)

Gene: FBN1 (fibrillin 1; minus strand). Cytogenetic location: 15q21.1.
Variant type: single nucleotide variant.
Coding change: c.2308G>A on transcript NM_000138.5 (MANE Select); coding-DNA position 2308, G replaced by A.
Protein change: p.Val770Ile; replaces valine 770 with isoleucine.
Molecular consequence: missense variant.
Genome position (GRCh38, 1-based): chr15:48,496,211, C>T on the plus strand (G>A on the coding strand, the complement: FBN1 is on the minus strand). VCF-style: chr15-48496211-C-T. GRCh37 (hg19) VCF-style: chr15-48788408-C-T.
Other names: short protein forms V770I.
Identifiers: ClinVar variation 519759 (VCV000519759.5), dbSNP rs1555399280, ClinGen allele CA392335531.